The following is an entry in ClinVar:

NM_002948.5(RPL15):c.196G>A (p.Val66Ile)

Genes: NKIRAS1 (NFKB inhibitor interacting Ras like 1; minus strand), RPL15 (ribosomal protein L15; plus strand). Cytogenetic location: 3p24.2.
Variant type: single nucleotide variant.
Coding change: c.196G>A on transcript NM_002948.5 (MANE Select); coding-DNA position 196, G replaced by A.
Protein change: p.Val66Ile; replaces valine 66 with isoleucine.
Molecular consequence: missense variant. On other transcripts: intron variant (1).
Genome position (GRCh38, 1-based): chr3:23,918,463, G>A. VCF-style: chr3-23918463-G-A. GRCh37 (hg19) VCF-style: chr3-23959954-G-A.
Other names: c.196G>A, p.Val66Ile (NM_001253379.2, NM_001253380.2, NM_001253382.2 and 2 more transcripts); c.-139-7013C>T (NM_001377380.1); short protein forms V66I.
Identifiers: ClinVar variation 2172307 (VCV002172307.4), dbSNP rs760039869, ClinGen allele CA2286473.

ClinVar aggregate classification (germline): Uncertain significance. Review status: criteria provided, multiple submitters, no conflicts (2 of 4 stars). 2 submissions from 2 submitters: Uncertain significance (2). Last evaluated 2024-11-19.

Allele frequency attached by ClinVar (database versions not stated): ExAC 0.00003; gnomAD 0.00001; gnomAD exomes 0.00002; TOPMed 0.00003.
gnomAD v4.1: 31 of 1,612,878 alleles (0.0019%); highest among the groups gnomAD compares: Admixed American, 0.01%; no homozygotes.

Submissions (2):

Labcorp Genetics (formerly Invitae), Labcorp
Classification: Uncertain significance. Last evaluated: 2024-11-19. Review status: criteria provided, single submitter. Criteria: Invitae Variant Classification Sherloc (09022015). Collection method: clinical testing. Allele origin: germline.
Comment: This sequence change replaces valine, which is neutral and non-polar, with isoleucine, which is neutral and non-polar, at codon 66 of the RPL15 protein (p.Val66Ile). This variant is present in population databases (rs760039869, gnomAD 0.009%). This variant has not been reported in the literature in individuals affected with RPL15-related conditions. ClinVar contains an entry for this variant (Variation ID: 2172307). An algorithm developed to predict the effect of missense changes on protein structure and function (PolyPhen-2) suggests that this variant is likely to be tolerated. In summary, the available evidence is currently insufficient to determine the role of this variant in disease. Therefore, it has been classified as a Variant of Uncertain Significance.

Ambry Genetics
Classification: Uncertain significance. Last evaluated: 2021-09-30. Review status: criteria provided, single submitter. Criteria: Ambry Variant Classification Scheme 2023. Collection method: clinical testing. Allele origin: germline.